The following is an entry in ClinVar:

NM_206933.4(USH2A):c.14620_14629del (p.Ser4874fs)

Gene: USH2A (usherin; minus strand). Cytogenetic location: 1q41.
Variant type: Deletion.
Coding change: c.14620_14629del on transcript NM_206933.4 (MANE Select); coding-DNA positions 14620 to 14629, 10 bases deleted (TCAGCCCTCC; older notation c.14620_14629delTCAGCCCTCC).
Protein change: p.Ser4874fs; shifts the reading frame from serine 4874.
Molecular consequence: frameshift variant.
Genome position (GRCh38, 1-based): chr1:215,647,684-215,647,693, GGAGGGCTGA deleted on the plus strand (TCAGCCCTCC on the coding strand, the reverse complement: USH2A is on the minus strand); deleting any 10 consecutive bases within chr1:215,647,684-215,647,694 gives the same sequence; the c. name uses the placement nearest the transcript's 3' end. VCF-style (leftmost placement, unchanged base first): chr1-215647683-GGGAGGGCTGA-G. GRCh37 (hg19) VCF-style: chr1-215821025-GGGAGGGCTGA-G.
Other names: short protein forms S4874fs.
Identifiers: ClinVar variation 2107732 (VCV002107732.4), dbSNP rs2464812020, ClinGen allele CA2580062043.

ClinVar aggregate classification (germline): Pathogenic (1 of 4 stars; one submission).

Submission:

Labcorp Genetics (formerly Invitae), Labcorp
Classification: Pathogenic. Last evaluated: 2022-03-09. Review status: criteria provided, single submitter. Criteria: Invitae Variant Classification Sherloc (09022015). Collection method: clinical testing. Allele origin: germline.
Comment: For these reasons, this variant has been classified as Pathogenic. Algorithms developed to predict the effect of sequence changes on RNA splicing suggest that this variant may create or strengthen a splice site. This variant has not been reported in the literature in individuals affected with USH2A-related conditions. This variant is not present in population databases (gnomAD no frequency). This sequence change creates a premature translational stop signal (p.Ser4874Profs*7) in the USH2A gene. It is expected to result in an absent or disrupted protein product. Loss-of-function variants in USH2A are known to be pathogenic (PMID: 10729113, 10909849, 20507924, 25649381).

Literature cited by the submitters: PubMed 10729113; PubMed 10909849; PubMed 20507924; PubMed 25649381.